The following is an entry in ClinVar:

ClinVar aggregate classification (germline): Uncertain significance (1 of 4 stars; one submission).

Conditions:
Hereditary cancer-predisposing syndrome. Also called: Neoplastic Syndromes, Hereditary; Tumor predisposition; Hereditary neoplastic syndrome; Hereditary Cancer Syndrome. Identifiers: Orphanet 140162, MedGen C0027672, MeSH D009386, MONDO:0015356.

Submission:

Ambry Genetics
Classification: Uncertain significance for Hereditary cancer-predisposing syndrome. Last evaluated: 2025-05-31. Review status: criteria provided, single submitter. Criteria: Ambry Variant Classification Scheme 2023. Collection method: clinical testing. Allele origin: germline.
Comment: The p.S1448R variant (also known as c.4344C>G), located in coding exon 11 of the BRCA1 gene, results from a C to G substitution at nucleotide position 4344. The serine at codon 1448 is replaced by arginine, an amino acid with dissimilar properties. This amino acid position is poorly conserved in available vertebrate species. In addition, this alteration is predicted to be tolerated by in silico analysis. Since supporting evidence is limited at this time, the clinical significance of this alteration remains unclear.

NM_007294.4(BRCA1):c.4344C>G (p.Ser1448Arg)

Gene: BRCA1 (BRCA1 DNA repair associated; minus strand). Cytogenetic location: 17q21.31.
Variant type: single nucleotide variant.
Coding change: c.4344C>G on transcript NM_007294.4 (MANE Select); coding-DNA position 4344, C replaced by G.
Protein change: p.Ser1448Arg; replaces serine 1448 with arginine.
Molecular consequence: missense variant. On other transcripts: non-coding transcript variant (1).
Genome position (GRCh38, 1-based): chr17:43,082,417, G>C on the plus strand (C>G on the coding strand, the complement: BRCA1 is on the minus strand). VCF-style: chr17-43082417-G-C. GRCh37 (hg19) VCF-style: chr17-41234434-G-C.
Other names: c.4221C>G, p.Ser1407Arg (NM_001407680.1, NM_001407863.1, NM_001407919.1 and 13 more transcripts); c.4218C>G, p.Ser1406Arg (NM_001407681.1, NM_001407682.1, NM_001407683.1 and 12 more transcripts); c.4344C>G, p.Ser1448Arg (NM_001407684.1, NM_001407854.1, NM_001407858.1 and 23 more transcripts); c.4215C>G, p.Ser1405Arg (NM_001407685.1, NM_001407686.1, NM_001407687.1 and 2 more transcripts); c.4203C>G, p.Ser1401Arg (NM_001407692.1, NM_001407694.1, NM_001407695.1 and 23 more transcripts); c.4200C>G, p.Ser1400Arg (NM_001407740.1, NM_001407741.1, NM_001407742.1 and 23 more transcripts); c.4197C>G, p.Ser1399Arg (NM_001407847.1, NM_001407848.1, NM_001407849.1); c.4131C>G, p.Ser1377Arg (NM_001407853.1, NM_001407894.1, NM_001407895.1 and 12 more transcripts); and 51 more; short protein forms S1401R, S1448R, S345R, S1335R, S1336R, S1358R, S1359R, S1399R.
Identifiers: ClinVar variation 824811 (VCV000824811.6), dbSNP rs1250691798, ClinGen allele CA10593035.